The following is an entry in ClinVar:

ClinVar aggregate classification (germline): Uncertain significance (1 of 4 stars; one submission).

Conditions:
DCTN1-related disorder. Also called: DCTN1-related condition.

Submission:

PreventionGenetics, part of Exact Sciences
Classification: Uncertain significance for DCTN1-related condition. Last evaluated: 2025-10-29. Review status: criteria provided, single submitter. Criteria: ACMG Guidelines, 2015. Collection method: clinical testing. Allele origin: germline.
Comment: The DCTN1 c.1952G>T variant is predicted to result in the amino acid substitution p.Ser651Ile. To our knowledge, this variant has not been reported in the literature or in a large population database (gnomAD), indicating this variant is rare. At this time, the clinical significance of this variant is uncertain due to the absence of conclusive functional and genetic evidence.

NM_004082.5(DCTN1):c.1952G>T (p.Ser651Ile)

Gene: DCTN1 (dynactin subunit 1; minus strand). Cytogenetic location: 2p13.1.
Variant type: single nucleotide variant.
Coding change: c.1952G>T on transcript NM_004082.5 (MANE Select); coding-DNA position 1952, G replaced by T.
Protein change: p.Ser651Ile; replaces serine 651 with isoleucine.
Molecular consequence: missense variant. On other transcripts: non-coding transcript variant (1).
Genome position (GRCh38, 1-based): chr2:74,368,034, C>A on the plus strand (G>T on the coding strand, the complement: DCTN1 is on the minus strand). VCF-style: chr2-74368034-C-A. GRCh37 (hg19) VCF-style: chr2-74595161-C-A.
Other names: c.1892G>T, p.Ser631Ile (NM_001135040.3); c.1550G>T, p.Ser517Ile (NM_001135041.3, NM_023019.4); c.1841G>T, p.Ser614Ile (NM_001190836.2); c.1931G>T, p.Ser644Ile (NM_001190837.2); c.1901G>T, p.Ser634Ile (NM_001378991.1); c.1883G>T, p.Ser628Ile (NM_001378992.1); short protein forms S628I, S644I, S651I, S634I, S517I, S614I, S631I.
Identifiers: ClinVar variation 4996585 (VCV004996585.1).